The following is an entry in ClinVar:

ClinVar aggregate classification (germline): Likely benign (0 of 4 stars; one submission).

Conditions:
CSGALNACT1-related disorder. Also called: CSGALNACT1-related condition.

Allele frequency attached by ClinVar (database versions not stated): ExAC 0.00002.
gnomAD v4.1: 4 of 1,614,144 alleles (0.00025%); highest among the groups gnomAD compares: African/African-American, 0.0027%; no homozygotes.

Submission:

PreventionGenetics, part of Exact Sciences
Classification: Likely benign for CSGALNACT1-related condition. Last evaluated: 2019-09-17. Review status: no assertion criteria provided. Collection method: clinical testing. Allele origin: germline.
Comment: This variant is classified as likely benign based on ACMG/AMP sequence variant interpretation guidelines (Richards et al. 2015 PMID: 25741868, with internal and published modifications).

NM_001354483.2(CSGALNACT1):c.348C>G (p.Thr116=)

Gene: CSGALNACT1 (chondroitin sulfate N-acetylgalactosaminyltransferase 1; minus strand). Cytogenetic location: 8p21.3.
Variant type: single nucleotide variant.
Coding change: c.348C>G on transcript NM_001354483.2 (MANE Select); coding-DNA position 348, C replaced by G.
Protein change: p.Thr116=; no amino-acid change (threonine 116 retained).
Molecular consequence: synonymous variant. On other transcripts: non-coding transcript variant (7).
Genome position (GRCh38, 1-based): chr8:19,505,487, G>C on the plus strand (C>G on the coding strand, the complement: CSGALNACT1 is on the minus strand). VCF-style: chr8-19505487-G-C. GRCh37 (hg19) VCF-style: chr8-19362998-G-C.
Other names: c.348C>G, p.Thr116= (NM_001130518.2, NM_001354475.2, NM_001354476.2 and 18 more transcripts).
Identifiers: ClinVar variation 3040052 (VCV003040052.2), dbSNP rs776482078, ClinGen allele CA4654277.